The following is an entry in ClinVar:

NM_001199138.2(NLRC4):c.1530A>G (p.Ala510=)

Gene: NLRC4 (NLR family CARD domain containing 4; minus strand). Cytogenetic location: 2p22.3.
Variant type: single nucleotide variant.
Coding change: c.1530A>G on transcript NM_001199138.2 (MANE Select); coding-DNA position 1530, A replaced by G.
Protein change: p.Ala510=; no amino-acid change (alanine 510 retained).
Molecular consequence: synonymous variant. On other transcripts: intron variant (1).
Genome position (GRCh38, 1-based): chr2:32,250,334, T>C on the plus strand (A>G on the coding strand, the complement: NLRC4 is on the minus strand). VCF-style: chr2-32250334-T-C. GRCh37 (hg19) VCF-style: chr2-32475403-T-C.
Other names: c.1530A>G, p.Ala510= (NM_001199139.2, NM_021209.5); c.262+2085A>G (NM_001302504.1).
Identifiers: ClinVar variation 103073 (VCV000103073.3), dbSNP rs199475955, ClinGen allele CA230076.

ClinVar aggregate classification (germline): Likely benign. Review status: no assertion criteria provided (0 of 4 stars). 2 submissions from 2 submitters: Likely benign (1). 1 of the submissions does not count toward it. Last evaluated 2024-05-11.

Conditions:
NLRC4-related disorder. Also called: NLRC4-related condition.

Allele frequency attached by ClinVar (database versions not stated): TOPMed 0.00005; ExAC 0.00002; gnomAD 0.00005 and 0.00004; ESP Exome Variant Server 0.00008; gnomAD exomes below 0.00001 and 0.00002.
gnomAD v4.1: 14 of 1,614,216 alleles (0.00087%); highest among the groups gnomAD compares: African/African-American, 0.019%; no homozygotes.

Submissions (2):

PreventionGenetics, part of Exact Sciences
Classification: Likely benign for NLRC4-related condition. Last evaluated: 2024-05-11. Review status: no assertion criteria provided. Collection method: clinical testing. Allele origin: germline.
Comment: This variant is classified as likely benign based on ACMG/AMP sequence variant interpretation guidelines (Richards et al. 2015 PMID: 25741868, with internal and published modifications).

Human Evolutionary Genetics, Institut Pasteur
No classification provided. Review status: no classification provided. Collection method: not provided. Allele origin: germline. Not counted in ClinVar's aggregate classification.
ClinVar note: Converted during submission from untested to not provided.